The following is an entry in ClinVar:

ClinVar aggregate classification (germline): Conflicting classifications of pathogenicity. Review status: criteria provided, conflicting classifications (1 of 4 stars). 3 submissions from 3 submitters: Uncertain significance (1); Benign (1); Likely benign (1). Last evaluated 2026-01-18.

Allele frequency attached by ClinVar (database versions not stated): ESP Exome Variant Server 0.00008; TOPMed 0.00018; gnomAD exomes 0.00023 and 0.00025; ExAC 0.00027; gnomAD 0.00027.

Submissions (3):

Labcorp Genetics (formerly Invitae), Labcorp
Classification: Uncertain significance. Last evaluated: 2026-01-18. Review status: criteria provided, single submitter. Criteria: Invitae Variant Classification Sherloc (09022015). Collection method: clinical testing. Allele origin: germline.
Comment: This sequence change replaces alanine, which is neutral and non-polar, with valine, which is neutral and non-polar, at codon 538 of the RELA protein (p.Ala538Val). This variant is present in population databases (rs199846198, gnomAD 0.07%), and has an allele count higher than expected for a pathogenic variant. This variant has not been reported in the literature in individuals affected with RELA-related conditions. ClinVar contains an entry for this variant (Variation ID: 1015419). An algorithm developed to predict the effect of missense changes on protein structure and function outputs the following: PolyPhen-2: "Benign". The valine amino acid residue is found in multiple mammalian species, which suggests that this missense change does not adversely affect protein function. In summary, the available evidence is currently insufficient to determine the role of this variant in disease. Therefore, it has been classified as a Variant of Uncertain Significance.

Laboratory of Genetics, Children's Clinical University Hospital Latvia
Classification: Benign. Last evaluated: 2025-02-16. Review status: criteria provided, single submitter. Criteria: ACMG Guidelines, 2015. Collection method: clinical testing. Allele origin: germline. Affected: yes.

Blueprint Genetics
Classification: Likely benign. Last evaluated: 2024-09-30. Review status: criteria provided, single submitter. Criteria: ACMG Guidelines, 2015. Collection method: clinical testing. Allele origin: germline.

NM_021975.4(RELA):c.1613C>T (p.Ala538Val)

Gene: RELA (RELA proto-oncogene, NF-kB subunit; minus strand). Cytogenetic location: 11q13.1.
Variant type: single nucleotide variant.
Coding change: c.1613C>T on transcript NM_021975.4 (MANE Select); coding-DNA position 1613, C replaced by T.
Protein change: p.Ala538Val; replaces alanine 538 with valine.
Molecular consequence: missense variant.
Genome position (GRCh38, 1-based): chr11:65,654,421, G>A on the plus strand (C>T on the coding strand, the complement: RELA is on the minus strand). VCF-style: chr11-65654421-G-A. GRCh37 (hg19) VCF-style: chr11-65421892-G-A.
Other names: c.1604C>T, p.Ala535Val (NM_001145138.2); c.1406C>T, p.Ala469Val (NM_001243984.2); c.1304C>T, p.Ala435Val (NM_001243985.2); short protein forms A435V, A469V, A535V, A538V.
Identifiers: ClinVar variation 1015419 (VCV001015419.9), dbSNP rs199846198, ClinGen allele CA6106568.